The following is an entry in ClinVar:

ClinVar aggregate classification (germline): Uncertain significance. Review status: criteria provided, multiple submitters, no conflicts (2 of 4 stars). 3 submissions from 3 submitters: Uncertain significance (3). Last evaluated 2026-02-03.

Submissions (3):

GeneDx
Classification: Uncertain significance. Last evaluated: 2026-02-03. Review status: criteria provided, single submitter. Criteria: GeneDx Variant Classification Process June 2021. Collection method: clinical testing. Allele origin: germline.
Comment: Not observed at significant frequency in large population cohorts (gnomAD); In silico analysis supports that this missense variant has a deleterious effect on protein structure/function; Has not been previously published as pathogenic or benign to our knowledge

CeGaT Center for Human Genetics Tuebingen
Classification: Uncertain significance. Last evaluated: 2023-06-01. Review status: criteria provided, single submitter. Criteria: CeGaT Center For Human Genetics Tuebingen Variant Classification Criteria Version 2. Collection method: clinical testing. Allele origin: germline. Affected: yes. Observed: 1 variant allele.
Comment: TRRAP: PM2

Revvity Omics, Revvity
Classification: Uncertain significance. Last evaluated: 2022-05-31. Review status: criteria provided, single submitter. Criteria: ACMG Guidelines, 2015. Collection method: clinical testing. Allele origin: germline.

NM_001375524.1(TRRAP):c.1619C>G (p.Thr540Arg)

Gene: TRRAP (transformation/transcription domain associated protein; plus strand). Cytogenetic location: 7q22.1.
Variant type: single nucleotide variant.
Coding change: c.1619C>G on transcript NM_001375524.1 (MANE Select); coding-DNA position 1619, C replaced by G.
Protein change: p.Thr540Arg; replaces threonine 540 with arginine.
Molecular consequence: missense variant.
Genome position (GRCh38, 1-based): chr7:98,910,324, C>G. VCF-style: chr7-98910324-C-G. GRCh37 (hg19) VCF-style: chr7-98507947-C-G.
Other names: c.1619C>G, p.Thr540Arg (NM_001244580.2, NM_003496.4); short protein forms T540R.
Identifiers: ClinVar variation 2437359 (VCV002437359.28), dbSNP rs782244208, ClinGen allele CA368286686.